The following is an entry in ClinVar:

ClinVar aggregate classification (germline): Uncertain significance. Review status: criteria provided, multiple submitters, no conflicts (2 of 4 stars). 3 submissions from 3 submitters: Uncertain significance (3). Last evaluated 2025-02-11.

Conditions:
KIT-related disorder. Also called: KIT-related condition.
Gastrointestinal stromal tumor. Also called: Gastrointestinal stroma tumor; Gastrointestinal stromal tumor, somatic. Identifiers: Orphanet 44890, MedGen C0238198, MeSH D046152, MONDO:0011719, OMIM 606764, HP:0100723.
Hereditary cancer-predisposing syndrome. Also called: Tumor predisposition; Hereditary Cancer Syndrome; Neoplastic Syndromes, Hereditary; Hereditary neoplastic syndrome. Identifiers: Orphanet 140162, MedGen C0027672, MeSH D009386, MONDO:0015356.

Allele frequency attached by ClinVar (database versions not stated): gnomAD 0.00001.
gnomAD v4.1: 6 of 1,613,984 alleles (0.00037%); highest among the groups gnomAD compares: Non-Finnish European, 0.00051%; no homozygotes.

Submissions (3):

Ambry Genetics
Classification: Uncertain significance for Hereditary cancer-predisposing syndrome. Last evaluated: 2025-02-11. Review status: criteria provided, single submitter. Criteria: Ambry Variant Classification Scheme 2023. Collection method: clinical testing. Allele origin: germline.
Comment: The p.Y936H variant (also known as c.2806T>C), located in coding exon 21 of the KIT gene, results from a T to C substitution at nucleotide position 2806. The tyrosine at codon 936 is replaced by histidine, an amino acid with similar properties. This amino acid position is conserved. In addition, the in silico prediction for this alteration is inconclusive. Since supporting evidence is limited at this time, the clinical significance of this alteration remains unclear.

PreventionGenetics, part of Exact Sciences
Classification: Uncertain significance for KIT-related condition. Last evaluated: 2023-08-22. Review status: criteria provided, single submitter. Criteria: ACMG Guidelines, 2015. Collection method: clinical testing. Allele origin: germline.
Comment: The KIT c.2806T>C variant is predicted to result in the amino acid substitution p.Tyr936His. To our knowledge, this variant has not been reported in the literature or in a large population database, indicating this variant is rare. At this time, the clinical significance of this variant is uncertain due to the absence of conclusive functional and genetic evidence.

Labcorp Genetics (formerly Invitae), Labcorp
Classification: Uncertain significance for Gastrointestinal stromal tumor. Last evaluated: 2022-07-11. Review status: criteria provided, single submitter. Criteria: Invitae Variant Classification Sherloc (09022015). Collection method: clinical testing. Allele origin: germline.
Comment: This variant has not been reported in the literature in individuals affected with KIT-related conditions. ClinVar contains an entry for this variant (Variation ID: 1350228). Algorithms developed to predict the effect of missense changes on protein structure and function are either unavailable or do not agree on the potential impact of this missense change (SIFT: "Deleterious"; PolyPhen-2: "Possibly Damaging"; Align-GVGD: "Class C0"). In summary, the available evidence is currently insufficient to determine the role of this variant in disease. Therefore, it has been classified as a Variant of Uncertain Significance. This variant is not present in population databases (gnomAD no frequency). This sequence change replaces tyrosine, which is neutral and polar, with histidine, which is basic and polar, at codon 936 of the KIT protein (p.Tyr936His).

NM_000222.3(KIT):c.2806T>C (p.Tyr936His)

Gene: KIT (KIT proto-oncogene, receptor tyrosine kinase; plus strand). Cytogenetic location: 4q12.
Variant type: single nucleotide variant.
Coding change: c.2806T>C on transcript NM_000222.3 (MANE Select); coding-DNA position 2806, T replaced by C.
Protein change: p.Tyr936His; replaces tyrosine 936 with histidine.
Molecular consequence: missense variant.
Genome position (GRCh38, 1-based): chr4:54,738,432, T>C. VCF-style: chr4-54738432-T-C. GRCh37 (hg19) VCF-style: chr4-55604598-T-C.
Other names: c.2806T>C (NM_000222.2); c.2797T>C, p.Tyr933His (NM_001385288.1); c.2806T>C, p.Tyr936His (NM_001385290.1); c.2794T>C, p.Tyr932His (NM_001385292.1, NM_001093772.2); c.2809T>C, p.Tyr937His (NM_001385284.1); c.2803T>C, p.Tyr935His (NM_001385285.1); c.2791T>C, p.Tyr931His (NM_001385286.1); short protein forms Y931H, Y936H, Y937H, Y933H, Y932H, Y935H.
Identifiers: ClinVar variation 1350228 (VCV001350228.12), dbSNP rs1304063923, ClinGen allele CA356915671.